The following is an entry in ClinVar:

NM_003392.7(WNT5A):c.1A>T (p.Met1Leu)

Gene: WNT5A (Wnt family member 5A; minus strand). Cytogenetic location: 3p14.3.
Variant type: single nucleotide variant.
Coding change: c.1A>T on transcript NM_003392.7 (MANE Select); coding-DNA position 1, A replaced by T.
Protein change: p.Met1Leu; changes the start codon (methionine 1).
Molecular consequence: missense variant, initiator codon variant.
Genome position (GRCh38, 1-based): chr3:55,486,985, T>A on the plus strand (A>T on the coding strand, the complement: WNT5A is on the minus strand). VCF-style: chr3-55486985-T-A. GRCh37 (hg19) VCF-style: chr3-55521013-T-A.
Other names: short protein forms M1L.
Identifiers: ClinVar variation 5009435 (VCV005009435.1).

ClinVar aggregate classification (germline): Uncertain significance (1 of 4 stars; one submission).

Submission:

GeneDx
Classification: Uncertain significance. Last evaluated: 2026-03-21. Review status: criteria provided, single submitter. Criteria: GeneDx Variant Classification Process June 2021. Collection method: clinical testing. Allele origin: germline.
Comment: Not observed at significant frequency in large population cohorts (gnomAD); Initiation codon variant predicted to alter the protein; however, a downstream in-frame Methionine residue could serve as an alternate initiator codon; Has not been previously published as pathogenic or benign to our knowledge.